The following is an entry in ClinVar:

ClinVar aggregate classification (germline): Pathogenic (1 of 4 stars; one submission).

Conditions:
Glycogen storage disease type III (GSD3). Also called: FORBES DISEASE; Cori disease. Identifiers: Orphanet 366, MedGen C0017922, MONDO:0009291, OMIM 232400.

Submission:

Labcorp Genetics (formerly Invitae), Labcorp
Classification: Pathogenic for Glycogen storage disease type III. Last evaluated: 2023-08-28. Review status: criteria provided, single submitter. Criteria: Invitae Variant Classification Sherloc (09022015). Collection method: clinical testing. Allele origin: germline.
Comment: This sequence change creates a premature translational stop signal (p.Glu19Lysfs*17) in the AGL gene. It is expected to result in an absent or disrupted protein product. Loss-of-function variants in AGL are known to be pathogenic (PMID: 19299494). For these reasons, this variant has been classified as Pathogenic. ClinVar contains an entry for this variant (Variation ID: 1444695). This variant has not been reported in the literature in individuals affected with AGL-related conditions. This variant is present in population databases (no rsID available, gnomAD 0.007%).

Literature cited by the submitters: PubMed 19299494.

NM_000642.3(AGL):c.55del (p.Glu19fs)

Gene: AGL (amylo-alpha-1,6-glucosidase and 4-alpha-glucanotransferase; plus strand). Cytogenetic location: 1p21.2.
Variant type: Deletion.
Coding change: c.55del on transcript NM_000642.3 (MANE Select); coding-DNA position 55, one base deleted (G; older notation c.55delG).
Protein change: p.Glu19fs; shifts the reading frame from glutamic acid 19.
Molecular consequence: frameshift variant.
Genome position (GRCh38, 1-based): chr1:99,851,097, G deleted; the last of 2 consecutive G bases (chr1:99,851,096-99,851,097); deleting either gives the same sequence. VCF-style (leftmost placement, unchanged base first): chr1-99851095-TG-T. GRCh37 (hg19) VCF-style: chr1-100316651-TG-T.
Other names: c.55delG, p.Glu19Lysfs (NM_000028.3, NM_000643.3, NM_000644.3 and 6 more transcripts); c.-137delG (NM_000646.3); short protein forms E19fs.
Identifiers: ClinVar variation 1444695 (VCV001444695.6), dbSNP rs1418531169, ClinGen allele CA524716683.